The following is an entry in ClinVar:

ClinVar aggregate classification (germline): Uncertain significance (1 of 4 stars; one submission).

Conditions:
Nemaline myopathy 10 (NEM10). Identifiers: MedGen C4015360, MONDO:0014513, OMIM 616165.

Submission:

Labcorp Genetics (formerly Invitae), Labcorp
Classification: Uncertain significance for Nemaline myopathy 10. Last evaluated: 2022-06-25. Review status: criteria provided, single submitter. Criteria: Invitae Variant Classification Sherloc (09022015). Collection method: clinical testing. Allele origin: germline.
Comment: This sequence change replaces proline, which is neutral and non-polar, with arginine, which is basic and polar, at codon 556 of the LMOD3 protein (p.Pro556Arg). This variant is not present in population databases (gnomAD no frequency). This variant has not been reported in the literature in individuals affected with LMOD3-related conditions. Algorithms developed to predict the effect of missense changes on protein structure and function (SIFT, PolyPhen-2, Align-GVGD) all suggest that this variant is likely to be tolerated. In summary, the available evidence is currently insufficient to determine the role of this variant in disease. Therefore, it has been classified as a Variant of Uncertain Significance.

NM_198271.5(LMOD3):c.1667C>G (p.Pro556Arg)

Gene: LMOD3 (leiomodin 3; minus strand). Cytogenetic location: 3p14.1.
Variant type: single nucleotide variant.
Coding change: c.1667C>G on transcript NM_198271.5 (MANE Select); coding-DNA position 1667, C replaced by G.
Protein change: p.Pro556Arg; replaces proline 556 with arginine.
Molecular consequence: missense variant.
Genome position (GRCh38, 1-based): chr3:69,109,111, G>C on the plus strand (C>G on the coding strand, the complement: LMOD3 is on the minus strand). VCF-style: chr3-69109111-G-C. GRCh37 (hg19) VCF-style: chr3-69158262-G-C.
Other names: c.1667C>G, p.Pro556Arg (NM_001304418.3); short protein forms P556R.
Identifiers: ClinVar variation 2010520 (VCV002010520.4), dbSNP rs201205115, ClinGen allele CA353467648.
Genomic context (GRCh38, chr3:69,109,111, plus strand): 5'-TCACTATTTCCATTTCTTGTTCTTCTAGATGGCTCTGTTGCCTCTTACGCCAGTTCTTTT[G>C]GCAGTTGCACCTGCGATTTAAGCATTTGAGGAAACGGGGGAAATTAATCCTGGAAATTTA-3'
Protein context (NP_938012.2, residues 546-560): SVAYLKPVQL[Pro556Arg]KELA